The following is an entry in ClinVar:

NM_001376.5(DYNC1H1):c.12215-9C>G

Gene: DYNC1H1 (dynein cytoplasmic 1 heavy chain 1; plus strand). Cytogenetic location: 14q32.31.
Variant type: single nucleotide variant.
Coding change: c.12215-9C>G on transcript NM_001376.5 (MANE Select); 9 bases into the intron before coding-DNA position 12215, C replaced by G.
Molecular consequence: intron variant.
Genome position (GRCh38, 1-based): chr14:102,042,219, C>G. VCF-style: chr14-102042219-C-G. GRCh37 (hg19) VCF-style: chr14-102508556-C-G.
Identifiers: ClinVar variation 682262 (VCV000682262.1), dbSNP rs755152554, ClinGen allele CA915946456.
Genomic context (GRCh38, chr14:102,042,219, plus strand): 5'-CCTGCAGGATTTGTGGTGGGCATTGATGTCCGAGGCTGCCGCTGCTAACACTAAGTTTCC[C>G]TGCACCAGGCTCTGCAGAAGGCTTTAACCAAGCAGATAAGGCAATAAACACCGCTGTAAA-3'

ClinVar aggregate classification (germline): Likely benign (1 of 4 stars; one submission).

gnomAD v4.1: 2 of 1,613,950 alleles (0.00012%); highest among the groups gnomAD compares: African/African-American, 0.0027%; no homozygotes.

Submission:

GeneDx
Classification: Likely benign. Last evaluated: 2018-04-25. Review status: criteria provided, single submitter. Criteria: GeneDx Variant Classification (06012015). Collection method: clinical testing. Allele origin: germline. Affected: yes.
Comment: This variant is considered likely benign or benign based on one or more of the following criteria: it is a conservative change, it occurs at a poorly conserved position in the protein, it is predicted to be benign by multiple in silico algorithms, and/or has population frequency not consistent with disease.